The following is an entry in ClinVar:

NM_018706.7(DHTKD1):c.79_128del (p.Glu27fs)

Genes: DHTKD1 (dehydrogenase E1 and transketolase domain containing 1; plus strand), LOC130003343 (ATAC-STARR-seq lymphoblastoid silent region 2137; plus strand). Cytogenetic location: 10p14.
Variant type: Deletion.
Coding change: c.79_128del on transcript NM_018706.7 (MANE Select); coding-DNA positions 79 to 128, 50 bases deleted.
Protein change: p.Glu27fs; shifts the reading frame from glutamic acid 27.
Molecular consequence: frameshift variant.
Genome position (GRCh38, 1-based): chr10:12,069,112-12,069,161, 50 bases deleted; deleting any 50 consecutive bases within chr10:12,069,110-12,069,161 gives the same sequence; the c. name uses the placement nearest the transcript's 3' end. GRCh37 (hg19): chr10:12,111,111-12,111,160.
Other names: short protein forms E27fs.
Identifiers: ClinVar variation 2504734 (VCV002504734.5), dbSNP rs779758367, ClinGen allele CA5407429.

ClinVar aggregate classification (germline): Conflicting classifications of pathogenicity. Review status: criteria provided, conflicting classifications (1 of 4 stars). 2 submissions from 2 submitters: Pathogenic (1); Uncertain significance (1). Last evaluated 2025-12-03.

Conditions:
2-aminoadipic 2-oxoadipic aciduria (AAKAD). Also called: Aminoadipic aciduria; ALPHA-AMINOADIPIC AND ALPHA-KETOADIPIC ACIDURIA. Identifiers: Orphanet 79154, MedGen C1859817, MONDO:0008774, OMIM 204750.

Submissions (2):

GeneDx
Classification: Uncertain significance. Last evaluated: 2025-12-03. Review status: criteria provided, single submitter. Criteria: GeneDx Variant Classification Process June 2021. Collection method: clinical testing. Allele origin: germline.
Comment: Frameshift variant predicted to result in protein truncation or nonsense mediated decay in a gene for which loss of function is a known mechanism of disease; Has not been previously published as pathogenic or benign to our knowledge; This variant is associated with the following publications: (PMID: 23141293, 25860818)

Labcorp Genetics (formerly Invitae), Labcorp
Classification: Pathogenic for 2-aminoadipic 2-oxoadipic aciduria. Last evaluated: 2024-07-15. Review status: criteria provided, single submitter. Criteria: Invitae Variant Classification Sherloc (09022015). Collection method: clinical testing. Allele origin: germline.
Comment: This sequence change creates a premature translational stop signal (p.Glu27Profs*10) in the DHTKD1 gene. It is expected to result in an absent or disrupted protein product. Loss-of-function variants in DHTKD1 are known to be pathogenic (PMID: 23141293, 25860818). This variant is present in population databases (rs779758367, gnomAD 0.02%). This variant has not been reported in the literature in individuals affected with DHTKD1-related conditions. ClinVar contains an entry for this variant (Variation ID: 2504734). For these reasons, this variant has been classified as Pathogenic.

Literature cited by the submitters: PubMed 23141293 (cited by Labcorp Genetics (formerly Invitae), Labcorp); PubMed 25860818 (cited by Labcorp Genetics (formerly Invitae), Labcorp).